The following is an entry in ClinVar:

NM_000368.5(TSC1):c.1808C>A (p.Pro603Gln)

Gene: TSC1 (TSC complex subunit 1; minus strand). Cytogenetic location: 9q34.13.
Variant type: single nucleotide variant.
Coding change: c.1808C>A on transcript NM_000368.5 (MANE Select); coding-DNA position 1808, C replaced by A.
Protein change: p.Pro603Gln; replaces proline 603 with glutamine.
Molecular consequence: missense variant.
Genome position (GRCh38, 1-based): chr9:132,905,770, G>T on the plus strand (C>A on the coding strand, the complement: TSC1 is on the minus strand). VCF-style: chr9-132905770-G-T. GRCh37 (hg19) VCF-style: chr9-135781157-G-T.
Other names: c.1805C>A, p.Pro602Gln (NM_001162426.2); c.1655C>A, p.Pro552Gln (NM_001162427.2); c.1445C>A, p.Pro482Gln (NM_001362177.2); short protein forms P482Q, P552Q, P602Q, P603Q.
Identifiers: ClinVar variation 652285 (VCV000652285.11), dbSNP rs751247705, ClinGen allele CA375363386.

ClinVar aggregate classification (germline): Uncertain significance. Review status: criteria provided, multiple submitters, no conflicts (2 of 4 stars). 2 submissions from 2 submitters: Uncertain significance (2). Last evaluated 2023-10-20.

Conditions:
Hereditary cancer-predisposing syndrome. Also called: Hereditary Cancer Syndrome; Tumor predisposition; Neoplastic Syndromes, Hereditary; Hereditary neoplastic syndrome. Identifiers: Orphanet 140162, MedGen C0027672, MeSH D009386, MONDO:0015356.
Tuberous sclerosis 1 (TSC1). Identifiers: Orphanet 805, MedGen C1854465, MONDO:0008612, OMIM 191100.

gnomAD v4.1: 1 of 1,614,182 alleles (0.000062%); highest among the groups gnomAD compares: South Asian, 0.0011%; no homozygotes.

Submissions (2):

Labcorp Genetics (formerly Invitae), Labcorp
Classification: Uncertain significance for Tuberous sclerosis 1. Last evaluated: 2023-10-20. Review status: criteria provided, single submitter. Criteria: Invitae Variant Classification Sherloc (09022015). Collection method: clinical testing. Allele origin: germline.
Comment: This sequence change replaces proline, which is neutral and non-polar, with glutamine, which is neutral and polar, at codon 603 of the TSC1 protein (p.Pro603Gln). This variant is not present in population databases (gnomAD no frequency). This variant has not been reported in the literature in individuals affected with TSC1-related conditions. ClinVar contains an entry for this variant (Variation ID: 652285). Advanced modeling of protein sequence and biophysical properties (such as structural, functional, and spatial information, amino acid conservation, physicochemical variation, residue mobility, and thermodynamic stability) performed at Invitae indicates that this missense variant is not expected to disrupt TSC1 protein function. In summary, the available evidence is currently insufficient to determine the role of this variant in disease. Therefore, it has been classified as a Variant of Uncertain Significance.

Ambry Genetics
Classification: Uncertain significance for Hereditary cancer-predisposing syndrome. Last evaluated: 2021-01-08. Review status: criteria provided, single submitter. Criteria: Ambry Variant Classification Scheme 2023. Collection method: clinical testing. Allele origin: germline.
Comment: The p.P603Q variant (also known as c.1808C>A), located in coding exon 13 of the TSC1 gene, results from a C to A substitution at nucleotide position 1808. The proline at codon 603 is replaced by glutamine, an amino acid with similar properties. This amino acid position is well conserved in available vertebrate species. In addition, this alteration is predicted to be tolerated by in silico analysis. Since supporting evidence is limited at this time, the clinical significance of this alteration remains unclear.